The following is an entry in ClinVar:

NM_001378974.1(FBXW11):c.1441G>A (p.Ala481Thr)

Gene: FBXW11 (F-box and WD repeat domain containing 11; minus strand). Cytogenetic location: 5q35.1.
Variant type: single nucleotide variant.
Coding change: c.1441G>A on transcript NM_001378974.1 (MANE Select); coding-DNA position 1441, G replaced by A.
Protein change: p.Ala481Thr; replaces alanine 481 with threonine.
Molecular consequence: missense variant.
Genome position (GRCh38, 1-based): chr5:171,870,758, C>T on the plus strand (G>A on the coding strand, the complement: FBXW11 is on the minus strand). VCF-style: chr5-171870758-C-T. GRCh37 (hg19) VCF-style: chr5-171297762-C-T.
Other names: c.1372G>A, p.Ala458Thr (NM_001378975.1); c.1345G>A, p.Ala449Thr (NM_001378976.1); c.1282G>A, p.Ala428Thr (NM_001378977.1, NM_001378978.1, NM_001378979.1); c.1276G>A, p.Ala426Thr (NM_001378980.1, NM_033645.3); c.1378G>A, p.Ala460Thr (NM_012300.3); c.1339G>A, p.Ala447Thr (NM_033644.3); short protein forms A428T, A458T, A447T, A460T, A481T, A426T, A449T.
Identifiers: ClinVar variation 5009361 (VCV005009361.1).

ClinVar aggregate classification (germline): Uncertain significance (1 of 4 stars; one submission).

Submission:

GeneDx
Classification: Uncertain significance. Last evaluated: 2026-03-21. Review status: criteria provided, single submitter. Criteria: GeneDx Variant Classification Process June 2021. Collection method: clinical testing. Allele origin: germline.
Comment: Not observed at significant frequency in large population cohorts (gnomAD); In silico analysis supports that this missense variant has a deleterious effect on protein structure/function; Has not been previously published as pathogenic or benign to our knowledge